The following is an entry in ClinVar:

NM_005633.4(SOS1):c.2965A>C (p.Arg989=)

Gene: SOS1 (SOS Ras/Rac guanine nucleotide exchange factor 1; minus strand). Cytogenetic location: 2p22.1.
Variant type: single nucleotide variant.
Coding change: c.2965A>C on transcript NM_005633.4 (MANE Select); coding-DNA position 2965, A replaced by C.
Protein change: p.Arg989=; no amino-acid change (arginine 989 retained).
Molecular consequence: synonymous variant.
Genome position (GRCh38, 1-based): chr2:38,997,038, T>G on the plus strand (A>C on the coding strand, the complement: SOS1 is on the minus strand). VCF-style: chr2-38997038-T-G. GRCh37 (hg19) VCF-style: chr2-39224179-T-G.
Other names: c.2944A>C, p.Arg982= (NM_001382394.1); c.2965A>C, p.Arg989= (NM_001382395.1).
Identifiers: ClinVar variation 4751240 (VCV004751240.2).

ClinVar aggregate classification (germline): Conflicting classifications of pathogenicity. Review status: criteria provided, conflicting classifications (1 of 4 stars). 2 submissions from 2 submitters: Uncertain significance (1); Likely benign (1). Last evaluated 2026-06-15.

Conditions:
RASopathy. Also called: rasopathies; Noonan spectrum disorder. Identifiers: Orphanet 536391, MedGen C5555857, MONDO:0021060.
Cardiovascular phenotype. Identifiers: MedGen CN230736.

gnomAD v4.1: 2 of 1,484,088 alleles (0.00013%); highest among the groups gnomAD compares: Non-Finnish European, 0.00019%; no homozygotes.

Submissions (2):

Ambry Genetics
Classification: Likely benign for Cardiovascular phenotype. Last evaluated: 2026-06-15. Review status: criteria provided, single submitter. Criteria: Ambry Variant Classification Scheme 2023. Collection method: clinical testing. Allele origin: germline.

Labcorp Genetics (formerly Invitae), Labcorp
Classification: Uncertain significance for RASopathy. Last evaluated: 2025-04-28. Review status: criteria provided, single submitter. Criteria: Invitae Variant Classification Sherloc (09022015). Collection method: clinical testing. Allele origin: germline.
Comment: This sequence change affects codon 989 of the SOS1 mRNA. It is a 'silent' change, meaning that it does not change the encoded amino acid sequence of the SOS1 protein. It affects a nucleotide within the consensus splice site. This variant is not present in population databases (gnomAD no frequency). This variant has not been reported in the literature in individuals affected with SOS1-related conditions. Algorithms developed to predict the effect of sequence changes on RNA splicing suggest that this variant is not likely to affect RNA splicing. In summary, the available evidence is currently insufficient to determine the role of this variant in disease. Therefore, it has been classified as a Variant of Uncertain Significance.